The following is an entry in ClinVar:

ClinVar aggregate classification (germline): Uncertain significance (1 of 4 stars; one submission).

Conditions:
Charcot-Marie-Tooth disease type 4. Also called: Charcot-Marie-Tooth disease, type IV; Charcot-Marie-Tooth, Type 4. Identifiers: Orphanet 64749, MedGen C4082197, MONDO:0018995.

gnomAD v4.1: 4 of 1,614,202 alleles (0.00025%); highest among the groups gnomAD compares: Non-Finnish European, 0.00034%; no homozygotes.

Submission:

Labcorp Genetics (formerly Invitae), Labcorp
Classification: Uncertain significance for Charcot-Marie-Tooth disease type 4. Last evaluated: 2019-09-22. Review status: criteria provided, single submitter. Criteria: Invitae Variant Classification Sherloc (09022015). Collection method: clinical testing. Allele origin: germline.
Comment: In summary, the available evidence is currently insufficient to determine the role of this variant in disease. Therefore, it has been classified as a Variant of Uncertain Significance. Algorithms developed to predict the effect of missense changes on protein structure and function output the following: SIFT: "Deleterious"; PolyPhen-2: "Benign"; Align-GVGD: "Class C25". The valine amino acid residue is found in multiple mammalian species, suggesting that this missense change does not adversely affect protein function. These predictions have not been confirmed by published functional studies and their clinical significance is uncertain. This variant has not been reported in the literature in individuals with SH3TC2-related conditions. This variant is not present in population databases (ExAC no frequency). This sequence change replaces leucine with valine at codon 744 of the SH3TC2 protein (p.Leu744Val). The leucine residue is highly conserved and there is a small physicochemical difference between leucine and valine.

NM_024577.4(SH3TC2):c.2230C>G (p.Leu744Val)

Gene: SH3TC2 (SH3 domain and tetratricopeptide repeats 2; minus strand). Cytogenetic location: 5q32.
Variant type: single nucleotide variant.
Coding change: c.2230C>G on transcript NM_024577.4 (MANE Select); coding-DNA position 2230, C replaced by G.
Protein change: p.Leu744Val; replaces leucine 744 with valine.
Molecular consequence: missense variant.
Genome position (GRCh38, 1-based): chr5:149,027,502, G>C on the plus strand (C>G on the coding strand, the complement: SH3TC2 is on the minus strand). VCF-style: chr5-149027502-G-C. GRCh37 (hg19) VCF-style: chr5-148407065-G-C.
Other names: short protein forms L744V.
Identifiers: ClinVar variation 960698 (VCV000960698.9), dbSNP rs962648069, ClinGen allele CA128984523.